The following is an entry in ClinVar:

NM_001042573.3(ENGASE):c.1116G>A (p.Lys372=)

Gene: ENGASE (endo-beta-N-acetylglucosaminidase; plus strand). Cytogenetic location: 17q25.3.
Variant type: single nucleotide variant.
Coding change: c.1116G>A on transcript NM_001042573.3 (MANE Select); coding-DNA position 1116, G replaced by A.
Protein change: p.Lys372=; no amino-acid change (lysine 372 retained).
Molecular consequence: synonymous variant.
Genome position (GRCh38, 1-based): chr17:79,083,097, G>A. VCF-style: chr17-79083097-G-A. GRCh37 (hg19) VCF-style: chr17-77079179-G-A.
Other names: c.1116G>A, p.Lys372= (NM_001396052.1, NM_001396053.1, NM_001396055.1); c.1305G>A, p.Lys435= (NM_001396054.1).
Identifiers: ClinVar variation 2648385 (VCV002648385.24), dbSNP rs188871787, ClinGen allele CA8809699.
Genomic context (GRCh38, chr17:79,083,097, plus strand): 5'-AAAGCATGGCTTCTCCGTGGCTTTGTTTGCCCCCGGCTGGGTGTATGAGTGTCTGGAGAA[G>A]AAGGATTTCTTCCAGAACCAGGACAAGTGAGTCCTGCTGTCCTGGGTGCTTAGTGCAGGC-3'
Protein context (NP_001036038.1, residues 362-382): APGWVYECLE[Lys372=]KDFFQNQDKF

ClinVar aggregate classification (germline): Likely benign (1 of 4 stars; one submission).

Allele frequency attached by ClinVar (database versions not stated): ExAC 0.00029; 1000 Genomes Project 30x 0.00031; 1000 Genomes Project 0.00040; ESP Exome Variant Server 0.00049; gnomAD 0.00050; TOPMed 0.00050; gnomAD exomes 0.00087.
gnomAD v4.1: 1,347 of 1,613,908 alleles (0.083%); highest among the groups gnomAD compares: Non-Finnish European, 0.11%; 2 homozygotes.

Submission:

CeGaT Center for Human Genetics Tuebingen
Classification: Likely benign. Last evaluated: 2023-05-01. Review status: criteria provided, single submitter. Criteria: CeGaT Center For Human Genetics Tuebingen Variant Classification Criteria Version 2. Collection method: clinical testing. Allele origin: germline. Affected: yes. Observed: 1 variant allele.
Comment: ENGASE: BP4, BP7